The following is an entry in ClinVar:

ClinVar aggregate classification (germline): Uncertain significance (1 of 4 stars; one submission).

Conditions:
Sialuria. Also called: SIALURIA, FRENCH TYPE; Sialic Acid Storage Disease. Identifiers: Orphanet 3166, MedGen C0342853, MONDO:0010028, OMIM 269921.
GNE myopathy (NM). Also called: NONAKA DISTAL MYOPATHY; INCLUSION BODY MYOPATHY, HEREDITARY, AUTOSOMAL RECESSIVE; INCLUSION BODY MYOPATHY 2, AUTOSOMAL RECESSIVE; MYOPATHY, DISTAL, WITH OR WITHOUT RIMMED VACUOLES; IBM 2; Inclusion body myopathy autosomal recessive. Identifiers: Orphanet 602, MedGen C1853926, MONDO:0011603, OMIM 605820.

gnomAD v4.1: 1 of 1,613,904 alleles (0.000062%); no homozygotes.

Submission:

Labcorp Genetics (formerly Invitae), Labcorp
Classification: Uncertain significance for Sialuria; GNE myopathy. Last evaluated: 2024-04-06. Review status: criteria provided, single submitter. Criteria: Invitae Variant Classification Sherloc (09022015). Collection method: clinical testing. Allele origin: germline.
Comment: This sequence change replaces arginine, which is basic and polar, with lysine, which is basic and polar, at codon 102 of the GNE protein (p.Arg102Lys). This variant is present in population databases (rs751870439, gnomAD 0.003%). This variant has not been reported in the literature in individuals affected with GNE-related conditions. Advanced modeling of protein sequence and biophysical properties (such as structural, functional, and spatial information, amino acid conservation, physicochemical variation, residue mobility, and thermodynamic stability) has been performed at Invitae for this missense variant, however the output from this modeling did not meet the statistical confidence thresholds required to predict the impact of this variant on GNE protein function. This variant disrupts the p.Arg102 amino acid residue in GNE. Other variant(s) that disrupt this residue have been determined to be pathogenic (PMID: 20059379; Invitae). This suggests that this residue is clinically significant, and that variants that disrupt this residue are likely to be disease-causing. In summary, the available evidence is currently insufficient to determine the role of this variant in disease. Therefore, it has been classified as a Variant of Uncertain Significance.

Literature cited by the submitters: PubMed 20059379.

NM_005476.7(GNE):c.212G>A (p.Arg71Lys)

Gene: GNE (glucosamine (UDP-N-acetyl)-2-epimerase/N-acetylmannosamine kinase; minus strand). Cytogenetic location: 9p13.3.
Variant type: single nucleotide variant.
Coding change: c.212G>A on transcript NM_005476.7 (MANE Select); coding-DNA position 212, G replaced by A.
Protein change: p.Arg71Lys; replaces arginine 71 with lysine.
Molecular consequence: missense variant.
Genome position (GRCh38, 1-based): chr9:36,246,435, C>T on the plus strand (G>A on the coding strand, the complement: GNE is on the minus strand). VCF-style: chr9-36246435-C-T. GRCh37 (hg19) VCF-style: chr9-36246432-C-T.
Other names: c.305G>A, p.Arg102Lys (NM_001128227.3); c.212G>A, p.Arg71Lys (NM_001190383.3, NM_001374797.1); c.35G>A, p.Arg12Lys (NM_001190384.3, NM_001190388.2, NM_001374798.1); short protein forms R102K, R12K, R71K.
Identifiers: ClinVar variation 3755649 (VCV003755649.2).